The following is an entry in ClinVar:

NM_023067.4(FOXL2):c.962_967delinsCT (p.Gln321fs)

Gene: FOXL2 (forkhead box L2; minus strand). Cytogenetic location: 3q22.3.
Variant type: Indel.
Coding change: c.962_967delinsCT on transcript NM_023067.4 (MANE Select); coding-DNA positions 962 to 967, AGCTCA replaced by CT.
Protein change: p.Gln321fs; shifts the reading frame from glutamine 321.
Molecular consequence: frameshift variant.
Genome position (GRCh38, 1-based): chr3:138,945,756-138,945,761, TGAGCT replaced by AG on the plus strand (AGCTCA replaced by CT on the coding strand, the reverse complement: FOXL2 is on the minus strand). VCF-style: chr3-138945756-TGAGCT-AG. GRCh37 (hg19) VCF-style: chr3-138664598-TGAGCT-AG.
Other names: short protein forms Q321fs.
Identifiers: ClinVar variation 4880271 (VCV004880271.1).

ClinVar aggregate classification (germline): Pathogenic (1 of 4 stars; one submission).

Conditions:
Blepharophimosis, ptosis, and epicanthus inversus syndrome. Identifiers: Orphanet 126, MedGen C0220663, MONDO:0007201, OMIM 110100.

Submission:

Reproductive Medicine Center, Department of Obstetrics and Gynecology, The Second Xiangya Hospital of Central South University
Classification: Pathogenic for Blepharophimosis, ptosis, and epicanthus inversus syndrome. Last evaluated: 2026-07-28. Review status: criteria provided, single submitter. Criteria: ACMG Guidelines, 2015. Collection method: research. Allele origin: germline. Inheritance: Autosomal dominant inheritance. Affected: yes. Observed: 1 variant allele, 1 heterozygote.
Comment: The FOXL2 c.962_967delinsCT variant (NM_023067.4) results in a frameshift and premature truncation of the FOXL2 protein (p.Gln321Profs*34)，predicted to disrupt the C-terminal transcriptional activation domain. Based on the ACMG guidelines, this variant meets criteria PVS1_Strong (LOF variant in FOXL2, a gene where haploinsufficiency is a known disease mechanism), PM2 (absent from controls), PP3 (multiple computational predictions of deleterious effect), and PP4 (patient phenotype highly specific for BPES). The combination of these evidence codes supports a classification of Pathogenic.

Literature cited by the submitters: PubMed 33806295; PubMed 11468277.